The following is an entry in ClinVar:

ClinVar aggregate classification (germline): Benign/Likely benign. Review status: criteria provided, multiple submitters, no conflicts (2 of 4 stars). 6 submissions from 6 submitters: Benign (1); Likely benign (5). Last evaluated 2025-12-24.

Conditions:
Cardiovascular phenotype. Identifiers: MedGen CN230736.
Aortic aneurysm, familial thoracic 9 (AAT9). Identifiers: MedGen C4015368, MONDO:0014514, OMIM 616166.

Allele frequency attached by ClinVar (database versions not stated): ESP Exome Variant Server 0.00031; 1000 Genomes Project 0.00040; gnomAD exomes 0.00014 and 0.00027; TOPMed 0.00015; gnomAD 0.00016 and 0.00017; ExAC 0.00022; 1000 Genomes Project 30x 0.00031.
gnomAD v4.1: 414 of 1,604,150 alleles (0.026%); highest among the groups gnomAD compares: Non-Finnish European, 0.034%; no homozygotes.

Submissions (6):

Labcorp Genetics (formerly Invitae), Labcorp
Classification: Likely benign. Last evaluated: 2025-12-24. Review status: criteria provided, single submitter. Criteria: Invitae Variant Classification Sherloc (09022015). Collection method: clinical testing. Allele origin: germline.

GeneDx
Classification: Likely benign. Last evaluated: 2025-05-07. Review status: criteria provided, single submitter. Criteria: GeneDx Variant Classification Process June 2021. Collection method: clinical testing. Allele origin: germline. Affected: yes.
Comment: See Variant Classification Assertion Criteria.

ARUP Laboratories, Molecular Genetics and Genomics, ARUP Laboratories
Classification: Likely benign for Aortic aneurysm, familial thoracic 9. Last evaluated: 2024-10-25. Review status: criteria provided, single submitter. Criteria: ARUP Molecular Germline Variant Investigation Process 2024. Collection method: clinical testing. Allele origin: germline.

Blueprint Genetics
Classification: Likely benign. Last evaluated: 2024-10-16. Review status: criteria provided, single submitter. Criteria: ACMG Guidelines, 2015. Collection method: clinical testing. Allele origin: germline.

Women's Health and Genetics/Laboratory Corporation of America, LabCorp
Classification: Benign. Last evaluated: 2023-10-09. Review status: criteria provided, single submitter. Criteria: LabCorp Variant Classification Summary - May 2015. Collection method: clinical testing. Allele origin: germline.

Ambry Genetics
Classification: Likely benign for Cardiovascular phenotype. Last evaluated: 2019-06-12. Review status: criteria provided, single submitter. Criteria: Ambry Variant Classification Scheme 2023. Collection method: clinical testing. Allele origin: germline.

NM_003480.4(MFAP5):c.195T>A (p.Ile65=)

Gene: MFAP5 (microfibril associated protein 5; minus strand). Cytogenetic location: 12p13.31.
Variant type: single nucleotide variant.
Coding change: c.195T>A on transcript NM_003480.4 (MANE Select); coding-DNA position 195, T replaced by A.
Protein change: p.Ile65=; no amino-acid change (isoleucine 65 retained).
Molecular consequence: synonymous variant. On other transcripts: non-coding transcript variant (2), intron variant (1).
Genome position (GRCh38, 1-based): chr12:8,654,459, A>T on the plus strand (T>A on the coding strand, the complement: MFAP5 is on the minus strand). VCF-style: chr12-8654459-A-T. GRCh37 (hg19) VCF-style: chr12-8807055-A-T.
Other names: c.195T>A, p.Ile65= (NM_001297709.2, NM_001297712.2); c.159T>A, p.Ile53= (NM_001297710.2); c.172+956T>A (NM_001297711.2).
Identifiers: ClinVar variation 506515 (VCV000506515.16), dbSNP rs146558268, ClinGen allele CA6434697.